The following is an entry in ClinVar:

NM_003366.4(UQCRC2):c.-22T>C

Gene: UQCRC2 (ubiquinol-cytochrome c reductase core protein 2). Cytogenetic location: 16p12.2.
Variant type: single nucleotide variant.
Coding change: c.-22T>C on transcript NM_003366.4 (MANE Select); 22 bases upstream of the start codon, T replaced by C.
Molecular consequence: 5 prime UTR variant.
Genome position (GRCh38, 1-based): chr16:21,953,402, T>C. VCF-style: chr16-21953402-T-C. GRCh37 (hg19) VCF-style: chr16-21964723-T-C.
Identifiers: ClinVar variation 390007 (VCV000390007.1), dbSNP rs200861707, ClinGen allele CA7953589.

ClinVar aggregate classification (germline): Likely benign (1 of 4 stars; one submission).

Allele frequency attached by ClinVar (database versions not stated): gnomAD exomes 0.00003; TOPMed 0.00003; ExAC 0.00004; gnomAD 0.00006; 1000 Genomes Project 30x 0.00016; 1000 Genomes Project 0.00020.
gnomAD v4.1: 47 of 1,612,280 alleles (0.0029%); highest among the groups gnomAD compares: Middle Eastern, 0.033%; no homozygotes.

Submission:

GeneDx
Classification: Likely benign. Last evaluated: 2016-10-28. Review status: criteria provided, single submitter. Criteria: GeneDx Variant Classification (06012015). Collection method: clinical testing. Allele origin: germline. Affected: yes.
Comment: This variant is considered likely benign or benign based on one or more of the following criteria: it is a conservative change, it occurs at a poorly conserved position in the protein, it is predicted to be benign by multiple in silico algorithms, and/or has population frequency not consistent with disease.